The following is an entry in ClinVar:

ClinVar aggregate classification (germline): Pathogenic/Likely pathogenic. Review status: criteria provided, multiple submitters, no conflicts (2 of 4 stars). 3 submissions from 3 submitters: Pathogenic (2); Likely pathogenic (1). Last evaluated 2025-10-13.

Conditions:
Polycystic kidney disease 4 (PKD4). Also called: Autosomal Recessive Polycystic Kidney Disease – PKHD1; POLYCYSTIC KIDNEY AND HEPATIC DISEASE 1; POLYCYSTIC KIDNEY DISEASE, INFANTILE, TYPE I; POLYCYSTIC KIDNEY DISEASE 4 WITH OR WITHOUT POLYCYSTIC LIVER DISEASE; PKD3. Identifiers: MedGen C4540575, MONDO:0033004, OMIM 263200.
PKHD1-related disorder. Also called: PKHD1-related condition.
Autosomal recessive polycystic kidney disease (ARPKD). Also called: AR polycystic kidney disease. Identifiers: Orphanet 731, Orphanet 8378, MedGen C0085548, MeSH D017044, MONDO:0009889.

Submissions (3):

Labcorp Genetics (formerly Invitae), Labcorp
Classification: Pathogenic for Autosomal recessive polycystic kidney disease. Last evaluated: 2025-10-13. Review status: criteria provided, single submitter. Criteria: Invitae Variant Classification Sherloc (09022015). Collection method: clinical testing. Allele origin: germline.
Comment: This sequence change creates a premature translational stop signal (p.Thr531Ilefs*2) in the PKHD1 gene. It is expected to result in an absent or disrupted protein product. Loss-of-function variants in PKHD1 are known to be pathogenic (PMID: 19940839). This variant is not present in population databases (gnomAD no frequency). This variant has not been reported in the literature in individuals affected with PKHD1-related conditions. For these reasons, this variant has been classified as Pathogenic.

Myriad Genetics, Inc.
Classification: Pathogenic for Polycystic kidney disease 4. Last evaluated: 2024-08-30. Review status: criteria provided, single submitter. Criteria: Myriad Autosomal Dominant, Autosomal Recessive and X-Linked Classification Criteria (2023). Collection method: clinical testing. Allele origin: unknown.
Comment: NM_138694.3(PKHD1):c.1592_1598del7(T531Ifs*2) is expected to be pathogenic in the context of autosomal recessive polycystic kidney disease, PKHD1-related. This variant is predicted to lead to an abnormal or absent protein product due to the creation of a premature termination codon in PKHD1, a gene where loss-of-function variants are known to be pathogenic. Please note: this variant was assessed in the context of healthy population screening.

Blueprint Genetics
Classification: Likely pathogenic for PKHD1-related disorders. Last evaluated: 2019-10-23. Review status: criteria provided, single submitter. Criteria: ACMG Guidelines, 2015. Collection method: clinical testing. Allele origin: germline. Affected: yes. Observed: 2 variant alleles.

Literature cited by the submitters: PubMed 19940839 (cited by Labcorp Genetics (formerly Invitae), Labcorp).

NM_138694.4(PKHD1):c.1592_1598del (p.Thr531fs)

Gene: PKHD1 (PKHD1 ciliary IPT domain containing fibrocystin/polyductin; minus strand). Cytogenetic location: 6p12.2.
Variant type: Deletion.
Coding change: c.1592_1598del on transcript NM_138694.4 (MANE Select); coding-DNA positions 1592 to 1598, 7 bases deleted (CAGCCCA; older notation c.1592_1598delCAGCCCA).
Protein change: p.Thr531fs; shifts the reading frame from threonine 531.
Molecular consequence: frameshift variant.
Genome position (GRCh38, 1-based): chr6:52,056,894-52,056,900, TGGGCTG deleted on the plus strand (CAGCCCA on the coding strand, the reverse complement: PKHD1 is on the minus strand); deleting any 7 consecutive bases within chr6:52,056,894-52,056,903 gives the same sequence; the c. name uses the placement nearest the transcript's 3' end. VCF-style (leftmost placement, unchanged base first): chr6-52056893-ATGGGCTG-A. GRCh37 (hg19) VCF-style: chr6-51921691-ATGGGCTG-A.
Other names: c.1592_1598del, p.Thr531fs (NM_170724.3); short protein forms T531fs.
Identifiers: ClinVar variation 4729133 (VCV004729133.3).